The following is an entry in ClinVar:

NM_007118.4(TRIO):c.7693G>A (p.Val2565Met)

Gene: TRIO (trio Rho guanine nucleotide exchange factor; plus strand). Cytogenetic location: 5p15.2.
Variant type: single nucleotide variant.
Coding change: c.7693G>A on transcript NM_007118.4 (MANE Select); coding-DNA position 7693, G replaced by A.
Protein change: p.Val2565Met; replaces valine 2565 with methionine.
Molecular consequence: missense variant. On other transcripts: non-coding transcript variant (1).
Genome position (GRCh38, 1-based): chr5:14,492,627, G>A. VCF-style: chr5-14492627-G-A. GRCh37 (hg19) VCF-style: chr5-14492736-G-A.
Other names: short protein forms V2565M.
Identifiers: ClinVar variation 5019760 (VCV005019760.2).
Genomic context (GRCh38, chr5:14,492,627, plus strand): 5'-AGTGAAAGCAGCAGCAGTAGCAACATCTCCACCATGTTGGTGACACACGATTACACGGCA[G>A]TGAAGGAGGATGAGATCAACGTCTACCAAGGAGAGGTCGTTCAAATTCTGGCCAGCAACC-3'
Protein context (NP_009049.2, residues 2555-2575): TMLVTHDYTA[Val2565Met]KEDEINVYQG

ClinVar aggregate classification (germline): Uncertain significance (1 of 4 stars; one submission).

Conditions:
Intellectual developmental disorder, autosomal dominant 44, with microcephaly. Also called: Micrognathia-recurrent infections-behavioral abnormalities-mild intellectual disability syndrome; TRIO-Related Intellectual Disability. Identifiers: Orphanet 476126, MedGen C4310740, MONDO:0014892, OMIM 617061.
Intellectual developmental disorder, autosomal dominant 63, with macrocephaly. Also called: MENTAL RETARDATION, AUTOSOMAL DOMINANT 63, WITH MACROCEPHALY. Identifiers: MedGen C5394205, MONDO:0032939, OMIM 618825.

Submission:

Juno Genomics, Hangzhou Juno Genomics, Inc
Classification: Uncertain significance for Intellectual developmental disorder, autosomal dominant 44, with microcephaly; Intellectual developmental disorder, autosomal dominant 63, with macrocephaly. Review status: criteria provided, single submitter. Criteria: ACMG Guidelines, 2015. Collection method: clinical testing. Allele origin: germline.
Comment: Absent from controls (or at extremely low frequency if recessive) in Genome Aggregation Database.;Multiple lines of computational evidence suggest no impact on gene or gene product.;Missense variant in a gene that has a low rate of benign missense variation.